The following is an entry in ClinVar:

NM_003356.4(UCP3):c.671C>G (p.Ala224Gly)

Gene: UCP3 (uncoupling protein 3; minus strand). Cytogenetic location: 11q13.4.
Variant type: single nucleotide variant.
Coding change: c.671C>G on transcript NM_003356.4 (MANE Select); coding-DNA position 671, C replaced by G.
Protein change: p.Ala224Gly; replaces alanine 224 with glycine.
Molecular consequence: missense variant.
Genome position (GRCh38, 1-based): chr11:74,003,980, G>C on the plus strand (C>G on the coding strand, the complement: UCP3 is on the minus strand). VCF-style: chr11-74003980-G-C. GRCh37 (hg19) VCF-style: chr11-73715025-G-C.
Other names: c.671C>G, p.Ala224Gly (NM_022803.3); short protein forms A224G.
Identifiers: ClinVar variation 2272092 (VCV002272092.3), dbSNP rs757325030, ClinGen allele CA6181400.

ClinVar aggregate classification (germline): Uncertain significance. Review status: criteria provided, single submitter (1 of 4 stars). 2 submissions from 2 submitters: Uncertain significance (1). 1 of the submissions does not count toward it. Last evaluated 2022-01-18.

Conditions:
UCP3-related disorder. Also called: UCP3-related condition.

gnomAD v4.1: 67 of 1,613,968 alleles (0.0042%); highest among the groups gnomAD compares: Middle Eastern, 0.016%; no homozygotes.

Submissions (2):

Ambry Genetics
Classification: Uncertain significance. Last evaluated: 2022-01-18. Review status: criteria provided, single submitter. Criteria: Ambry Variant Classification Scheme 2023. Collection method: clinical testing. Allele origin: germline.

PreventionGenetics, part of Exact Sciences
Classification: Uncertain significance for UCP3-related condition. Last evaluated: 2024-08-30. Review status: no assertion criteria provided. Collection method: clinical testing. Allele origin: germline. Not counted in ClinVar's aggregate classification.
Comment: The UCP3 c.671C>G variant is predicted to result in the amino acid substitution p.Ala224Gly. To our knowledge, this variant has not been reported in the literature. This variant is reported in 0.011% of alleles in individuals of Latino descent in gnomAD. At this time, the clinical significance of this variant is uncertain due to the absence of conclusive functional and genetic evidence.